The following is an entry in ClinVar:

ClinVar aggregate classification (germline): Uncertain significance (1 of 4 stars; one submission).

Conditions:
Nephronophthisis. Also called: Juvenile Nephronophthisis. Identifiers: Orphanet 655, MedGen C0687120, MONDO:0019005, HP:0000090.

Allele frequency attached by ClinVar (database versions not stated): gnomAD exomes below 0.00001; TOPMed below 0.00001.
gnomAD v4.1: 2 of 1,580,858 alleles (0.00013%); highest among the groups gnomAD compares: Admixed American, 0.0017%; no homozygotes.

Submission:

Labcorp Genetics (formerly Invitae), Labcorp
Classification: Uncertain significance for Nephronophthisis. Last evaluated: 2022-04-04. Review status: criteria provided, single submitter. Criteria: Invitae Variant Classification Sherloc (09022015). Collection method: clinical testing. Allele origin: germline.
Comment: This sequence change replaces glutamine, which is neutral and polar, with glutamic acid, which is acidic and polar, at codon 1224 of the NPHP4 protein (p.Gln1224Glu). This variant is present in population databases (no rsID available, gnomAD 0.003%). This variant has not been reported in the literature in individuals affected with NPHP4-related conditions. ClinVar contains an entry for this variant (Variation ID: 1024537). Algorithms developed to predict the effect of missense changes on protein structure and function are either unavailable or do not agree on the potential impact of this missense change (SIFT: "Tolerated"; PolyPhen-2: "Possibly Damaging"; Align-GVGD: "Class C0"). Algorithms developed to predict the effect of sequence changes on RNA splicing suggest that this variant may create or strengthen a splice site. In summary, the available evidence is currently insufficient to determine the role of this variant in disease. Therefore, it has been classified as a Variant of Uncertain Significance.

NM_015102.5(NPHP4):c.3670C>G (p.Gln1224Glu)

Gene: NPHP4 (nephrocystin 4; minus strand). Cytogenetic location: 1p36.31.
Variant type: single nucleotide variant.
Coding change: c.3670C>G on transcript NM_015102.5 (MANE Select); coding-DNA position 3670, C replaced by G.
Protein change: p.Gln1224Glu; replaces glutamine 1224 with glutamic acid.
Molecular consequence: missense variant. On other transcripts: non-coding transcript variant (1).
Genome position (GRCh38, 1-based): chr1:5,865,248, G>C on the plus strand (C>G on the coding strand, the complement: NPHP4 is on the minus strand). VCF-style: chr1-5865248-G-C. GRCh37 (hg19) VCF-style: chr1-5925308-G-C.
Other names: c.2131C>G, p.Gln711Glu (NM_001291593.2); c.2134C>G, p.Gln712Glu (NM_001291594.2); short protein forms Q1224E, Q711E, Q712E.
Identifiers: ClinVar variation 1024537 (VCV001024537.10), dbSNP rs1469154562, ClinGen allele CA338050461.